The following is an entry in ClinVar:

NM_006736.6(DNAJB2):c.406C>G (p.Pro136Ala)

Gene: DNAJB2 (DnaJ heat shock protein family (Hsp40) member B2; plus strand). Cytogenetic location: 2q35.
Variant type: single nucleotide variant.
Coding change: c.406C>G on transcript NM_006736.6 (MANE Select); coding-DNA position 406, C replaced by G.
Protein change: p.Pro136Ala; replaces proline 136 with alanine.
Molecular consequence: missense variant.
Genome position (GRCh38, 1-based): chr2:219,282,890, C>G. VCF-style: chr2-219282890-C-G. GRCh37 (hg19) VCF-style: chr2-220147612-C-G.
Other names: p.Pro136Ala; c.406C>G, p.Pro136Ala (NM_001039550.2); short protein forms P136A.
Identifiers: ClinVar variation 1042101 (VCV001042101.7), dbSNP rs1951918459, ClinGen allele CA350649744.
Genomic context (GRCh38, chr2:219,282,890, plus strand): 5'-GTTGCAGATGACCTGGGCCCCTTCTCAGAGCTTCAGAACCGGGGTTCCCGACACTCAGGC[C>G]CCTTCTTTACCTTCTCTTCCTCCTTCCCTGGGCACTCCGGTAAGTTCTGCCCCTTCCCAC-3'
Protein context (NP_006727.2, residues 126-146): LQNRGSRHSG[Pro136Ala]FFTFSSSFPG

ClinVar aggregate classification (germline): Uncertain significance. Review status: criteria provided, multiple submitters, no conflicts (2 of 4 stars). 2 submissions from 2 submitters: Uncertain significance (2). Last evaluated 2024-08-12.

Conditions:
Neuronopathy, distal hereditary motor, autosomal recessive 5. Also called: Spinal muscular atrophy, distal, autosomal recessive, 5; Young adult-onset distal hereditary motor neuropathy; NEUROPATHY, DISTAL HEREDITARY MOTOR, AUTOSOMAL RECESSIVE 5. Identifiers: Orphanet 314485, Orphanet 443950, MedGen C4749918, MONDO:0013947, OMIM 614881.

Allele frequency attached by ClinVar (database versions not stated): TOPMed 0.00001.
gnomAD v4.1: 18 of 1,606,648 alleles (0.0011%); highest among the groups gnomAD compares: Non-Finnish European, 0.0013%; no homozygotes.

Submissions (2):

Mayo Clinic Laboratories, Mayo Clinic
Classification: Uncertain significance. Last evaluated: 2024-08-12. Review status: criteria provided, single submitter. Criteria: ACMG Guidelines, 2015. Collection method: clinical testing. Allele origin: germline. Observed: 1 variant allele.
Comment: BP4, PM2

Labcorp Genetics (formerly Invitae), Labcorp
Classification: Uncertain significance for Neuronopathy, distal hereditary motor, autosomal recessive 5. Last evaluated: 2021-09-02. Review status: criteria provided, single submitter. Criteria: Invitae Variant Classification Sherloc (09022015). Collection method: clinical testing. Allele origin: germline.
Comment: This sequence change replaces proline with alanine at codon 136 of the DNAJB2 protein (p.Pro136Ala). The proline residue is moderately conserved and there is a small physicochemical difference between proline and alanine. This variant is not present in population databases (ExAC no frequency). This variant has not been reported in the literature in individuals affected with DNAJB2-related conditions. Algorithms developed to predict the effect of missense changes on protein structure and function output the following: SIFT: "Tolerated"; PolyPhen-2: "Benign"; Align-GVGD: "Class C0". The alanine amino acid residue is found in multiple mammalian species, which suggests that this missense change does not adversely affect protein function. In summary, the available evidence is currently insufficient to determine the role of this variant in disease. Therefore, it has been classified as a Variant of Uncertain Significance.